The following is an entry in ClinVar:

NM_002180.3(IGHMBP2):c.57T>C (p.Leu19=)

Gene: IGHMBP2 (immunoglobulin mu DNA binding protein 2; plus strand). Cytogenetic location: 11q13.3.
Variant type: single nucleotide variant.
Coding change: c.57T>C on transcript NM_002180.3 (MANE Select); coding-DNA position 57, T replaced by C.
Protein change: p.Leu19=; no amino-acid change (leucine 19 retained).
Molecular consequence: synonymous variant.
Genome position (GRCh38, 1-based): chr11:68,904,009, T>C. VCF-style: chr11-68904009-T-C. GRCh37 (hg19) VCF-style: chr11-68671477-T-C.
Other names: p.Leu19=.
Identifiers: ClinVar variation 258575 (VCV000258575.44), dbSNP rs1249463, ClinGen allele CA6153167.

ClinVar aggregate classification (germline): Benign/Likely benign. Review status: criteria provided, multiple submitters, no conflicts (2 of 4 stars). 17 submissions from 17 submitters: Benign (13); Likely benign (1). 3 of the submissions do not count toward it. Last evaluated 2026-06-12.

Conditions:
Autosomal recessive distal spinal muscular atrophy 1. Also called: HMN VI; NEURONOPATHY, SEVERE INFANTILE AXONAL, WITH RESPIRATORY FAILURE; NEURONOPATHY, DISTAL HEREDITARY MOTOR, HARDING TYPE VI; NEUROPATHY, DISTAL HEREDITARY MOTOR, AUTOSOMAL RECESSIVE 1; SEVERE INFANTILE AXONAL NEUROPATHY WITH RESPIRATORY FAILURE; SPINAL MUSCULAR ATROPHY, DIAPHRAGMATIC. Identifiers: Orphanet 98920, MedGen C1858517, MONDO:0011436, OMIM 604320.
Charcot-Marie-Tooth disease axonal type 2S. Also called: CHARCOT-MARIE-TOOTH DISEASE, AXONAL, AUTOSOMAL RECESSIVE, TYPE 2S; CHARCOT-MARIE-TOOTH NEUROPATHY, TYPE 2S. Identifiers: Orphanet 443073, MedGen C4015349, MONDO:0014511, OMIM 616155.
Charcot-Marie-Tooth disease. Also called: Charcot-Marie-Tooth Hereditary Neuropathy; Charcot-Marie-Tooth Neuropathy. Identifiers: Orphanet 166, MedGen C0007959, MONDO:0015626.

Allele frequency attached by ClinVar (database versions not stated): 1000 Genomes Project 0.67512; 1000 Genomes Project 30x 0.67676; gnomAD 0.75799 and 0.76080; TOPMed 0.75832; ExAC 0.75895; gnomAD exomes 0.76942; ESP Exome Variant Server 0.78761.
gnomAD v4.1: 1,261,672 of 1,550,292 alleles (81%); highest among the groups gnomAD compares: Non-Finnish European, 85%; 517,889 homozygotes.

Submissions (17):

Women's Health and Genetics/Laboratory Corporation of America, LabCorp
Classification: Benign. Last evaluated: 2026-06-12. Review status: criteria provided, single submitter. Criteria: LabCorp Variant Classification Summary - May 2015. Collection method: clinical testing. Allele origin: germline.

Labcorp Genetics (formerly Invitae), Labcorp
Classification: Benign for Autosomal recessive distal spinal muscular atrophy 1; Charcot-Marie-Tooth disease axonal type 2S. Last evaluated: 2026-02-04. Review status: criteria provided, single submitter. Criteria: Invitae Variant Classification Sherloc (09022015). Collection method: clinical testing. Allele origin: germline.

ARUP Laboratories, Molecular Genetics and Genomics, ARUP Laboratories
Classification: Benign. Last evaluated: 2025-07-30. Review status: criteria provided, single submitter. Criteria: ARUP Molecular Germline Variant Investigation Process 2024. Collection method: clinical testing. Allele origin: germline.

Blueprint Genetics
Classification: Likely benign. Last evaluated: 2024-11-27. Review status: criteria provided, single submitter. Criteria: ACMG Guidelines, 2015. Collection method: clinical testing. Allele origin: germline.

Genome-Nilou Lab
Classification: Benign for Charcot-Marie-Tooth disease axonal type 2S. Last evaluated: 2021-08-10. Review status: criteria provided, single submitter. Criteria: ACMG Guidelines, 2015. Collection method: clinical testing. Allele origin: germline. Affected: no.

Athena Diagnostics
Classification: Benign. Last evaluated: 2021-05-03. Review status: criteria provided, single submitter. Criteria: Athena Diagnostics criteria. Collection method: clinical testing. Allele origin: unknown.

Illumina Laboratory Services, Illumina
Classification: Benign for Autosomal recessive distal spinal muscular atrophy 1. Last evaluated: 2018-01-13. Review status: criteria provided, single submitter. Criteria: ICSL Variant Classification Criteria 13 December 2019. Collection method: clinical testing. Allele origin: germline.
Comment: This variant was observed in the ICSL laboratory as part of a predisposition screen in an ostensibly healthy population. It had not been previously curated by ICSL or reported in the Human Gene Mutation Database (HGMD: prior to June 1st, 2018), and was therefore a candidate for classification through an automated scoring system. Utilizing variant allele frequency, disease prevalence and penetrance estimates, and inheritance mode, an automated score was calculated to assess if this variant is too frequent to cause the disease. Based on the score and internal cut-off values, a variant classified as benign is not then subjected to further curation. The score for this variant resulted in a classification of benign for this disease.

Eurofins Ntd Llc (ga)
Classification: Benign. Last evaluated: 2016-04-29. Review status: criteria provided, single submitter. Criteria: EGL Classification Definitions 2015. Collection method: clinical testing. Allele origin: germline. Observed: 1 variant allele, 1 heterozygote.

Laboratory for Molecular Medicine, Mass General Brigham Personalized Medicine
Classification: Benign. Last evaluated: 2016-03-28. Review status: criteria provided, single submitter. Criteria: LMM Criteria. Collection method: clinical testing. Allele origin: germline.
Comment: Variant identified in a genome or exome case(s) and assessed due to predicted null impact of the variant or pathogenic assertions in the literature or databases. Disclaimer: This variant has not undergone full assessment. The following are preliminary notes: 76% of total chromosomes in ExAC

Mayo Clinic Laboratories, Mayo Clinic
Classification: Benign. Last evaluated: 2015-08-26. Review status: criteria provided, single submitter. Criteria: ACMG Guidelines, 2015. Collection method: clinical testing. Allele origin: germline. Observed: 1,974 variant alleles.

GeneDx
Classification: Benign. Last evaluated: 2015-03-03. Review status: criteria provided, single submitter. Criteria: GeneDx Variant Classification Process June 2021. Collection method: clinical testing. Allele origin: germline. Affected: yes.

Breakthrough Genomics
Classification: Benign. Review status: criteria provided, single submitter. Criteria: ACMG Guidelines, 2015. Collection method: not provided. Allele origin: germline. Inheritance: Autosomal recessive inheritance. Affected: yes.

Molecular Genetics Laboratory, London Health Sciences Centre
Classification: Benign for Charcot-Marie-Tooth disease. Review status: criteria provided, single submitter. Criteria: ACMG Guidelines, 2015. Collection method: clinical testing. Allele origin: germline. Affected: yes.

PreventionGenetics, part of Exact Sciences
Classification: Benign. Review status: criteria provided, single submitter. Criteria: ACMG Guidelines, 2015. Collection method: clinical testing. Allele origin: germline.

Clinical Genetics, Academic Medical Center
Classification: Benign. Review status: no assertion criteria provided. Collection method: clinical testing. Allele origin: germline. Affected: yes. Study: VKGL Data-share Consensus. Not counted in ClinVar's aggregate classification.

Diagnostic Laboratory, Department of Genetics, University Medical Center Groningen
Classification: Benign for Autosomal recessive distal spinal muscular atrophy 1. Review status: no assertion criteria provided. Collection method: clinical testing. Allele origin: germline. Affected: yes. Study: VKGL Data-share Consensus. Not counted in ClinVar's aggregate classification.

Joint Genome Diagnostic Labs from Nijmegen and Maastricht, Radboudumc and MUMC+
Classification: Benign. Review status: no assertion criteria provided. Collection method: clinical testing. Allele origin: germline. Affected: yes. Study: VKGL Data-share Consensus. Not counted in ClinVar's aggregate classification.

Literature cited by the submitters: PubMed 24022109 (cited by Eurofins Ntd Llc (ga)).